The following is an entry in ClinVar:

ClinVar aggregate classification (germline): Benign/Likely benign. Review status: criteria provided, multiple submitters, no conflicts (2 of 4 stars). 7 submissions from 7 submitters: Benign (1); Likely benign (5). 1 of the submissions does not count toward it. Last evaluated 2026-01-24.

Conditions:
Vanishing white matter disease. Also called: CACH syndrome; Childhood ataxia with diffuse central nervous system hypomyelination; Leukoencephalopathy with vanishing white matter; CACH/VWM syndrome; Cree leukoencehalopathy. Identifiers: Orphanet 135, Orphanet 99853, MedGen C1858991, MONDO:0800448.

Allele frequency attached by ClinVar (database versions not stated): 1000 Genomes Project 0.00120; 1000 Genomes Project 30x 0.00125; gnomAD exomes 0.00215 and 0.00323; ExAC 0.00216; gnomAD 0.00216 and 0.00220; TOPMed 0.00245; ESP Exome Variant Server 0.00246.

Submissions (7):

Labcorp Genetics (formerly Invitae), Labcorp
Classification: Benign. Last evaluated: 2026-01-24. Review status: criteria provided, single submitter. Criteria: Invitae Variant Classification Sherloc (09022015). Collection method: clinical testing. Allele origin: germline.

CeGaT Center for Human Genetics Tuebingen
Classification: Likely benign. Last evaluated: 2025-09-01. Review status: criteria provided, single submitter. Criteria: CeGaT Center For Human Genetics Tuebingen Variant Classification Criteria Version 2. Collection method: clinical testing. Allele origin: germline. Affected: yes. Observed: 6 variant alleles.
Comment: EIF2B5: BP4

Blueprint Genetics
Classification: Likely benign. Last evaluated: 2024-11-22. Review status: criteria provided, single submitter. Criteria: ACMG Guidelines, 2015. Collection method: clinical testing. Allele origin: germline.

Illumina Laboratory Services, Illumina
Classification: Likely benign for Leukoencephalopathy with vanishing white matter 1. Last evaluated: 2018-01-13. Review status: criteria provided, single submitter. Criteria: ICSL Variant Classification Criteria 13 December 2019. Collection method: clinical testing. Allele origin: germline.
Comment: This variant was observed in the ICSL laboratory as part of a predisposition screen in an ostensibly healthy population. It had not been previously curated by ICSL or reported in the Human Gene Mutation Database (HGMD: prior to June 1st, 2018), and was therefore a candidate for classification through an automated scoring system. Utilizing variant allele frequency, disease prevalence and penetrance estimates, and inheritance mode, an automated score was calculated to assess if this variant is too frequent to cause the disease. Based on the score and internal cut-off values, a variant classified as likely benign is not then subjected to further curation. The score for this variant resulted in a classification of likely benign for this disease.

Breakthrough Genomics
Classification: Likely benign. Review status: criteria provided, single submitter. Criteria: ACMG Guidelines, 2015. Collection method: not provided. Allele origin: germline. Inheritance: Autosomal recessive inheritance. Affected: yes.

PreventionGenetics, part of Exact Sciences
Classification: Likely benign. Review status: criteria provided, single submitter. Criteria: ACMG Guidelines, 2015. Collection method: clinical testing. Allele origin: germline.

Natera, Inc.
Classification: Likely benign for Leukoencephalopathy with vanishing white matter. Last evaluated: 2021-03-08. Review status: no assertion criteria provided. Collection method: clinical testing. Allele origin: germline. Not counted in ClinVar's aggregate classification.

NM_003907.3(EIF2B5):c.1686G>A (p.Gln562=)

Gene: EIF2B5 (eukaryotic translation initiation factor 2B subunit epsilon; plus strand). Cytogenetic location: 3q27.1.
Variant type: single nucleotide variant.
Coding change: c.1686G>A on transcript NM_003907.3 (MANE Select); coding-DNA position 1686, G replaced by A.
Protein change: p.Gln562=; no amino-acid change (glutamine 562 retained).
Molecular consequence: synonymous variant.
Genome position (GRCh38, 1-based): chr3:184,143,083, G>A. VCF-style: chr3-184143083-G-A. GRCh37 (hg19) VCF-style: chr3-183860871-G-A.
Identifiers: ClinVar variation 259195 (VCV000259195.53), dbSNP rs114216498, ClinGen allele CA2726785.